The following is an entry in ClinVar:

ClinVar aggregate classification (germline): Uncertain significance. Review status: criteria provided, multiple submitters, no conflicts (2 of 4 stars). 2 submissions from 2 submitters: Uncertain significance (2). Last evaluated 2025-01-19.

Conditions:
Hereditary cancer-predisposing syndrome. Also called: Hereditary Cancer Syndrome; Tumor predisposition; Neoplastic Syndromes, Hereditary; Hereditary neoplastic syndrome. Identifiers: Orphanet 140162, MedGen C0027672, MeSH D009386, MONDO:0015356.
Cardiovascular phenotype. Identifiers: MedGen CN230736.
Neurofibromatosis, type 1 (NF1). Also called: VON RECKLINGHAUSEN DISEASE; Neurofibromatosis, type I; NEUROFIBROMATOSIS, TYPE I, SOMATIC; Peripheral type neurofibromatosis. Identifiers: Orphanet 636, MedGen C0027831, MONDO:0018975, OMIM 162200. Disease mechanism: loss of function.

Submissions (2):

Labcorp Genetics (formerly Invitae), Labcorp
Classification: Uncertain significance for Neurofibromatosis, type 1. Last evaluated: 2025-01-19. Review status: criteria provided, single submitter. Criteria: Invitae Variant Classification Sherloc (09022015). Collection method: clinical testing. Allele origin: germline.
Comment: This sequence change replaces leucine, which is neutral and non-polar, with phenylalanine, which is neutral and non-polar, at codon 274 of the NF1 protein (p.Leu274Phe). This variant is not present in population databases (gnomAD no frequency). This variant has not been reported in the literature in individuals affected with NF1-related conditions. ClinVar contains an entry for this variant (Variation ID: 3237976). Invitae Evidence Modeling of protein sequence and biophysical properties (such as structural, functional, and spatial information, amino acid conservation, physicochemical variation, residue mobility, and thermodynamic stability) indicates that this missense variant is expected to disrupt NF1 protein function with a positive predictive value of 95%. This variant disrupts the p.Leu274 amino acid residue in NF1. Other variant(s) that disrupt this residue have been determined to be pathogenic (internal data). This suggests that this residue is clinically significant, and that variants that disrupt this residue are likely to be disease-causing. In summary, the available evidence is currently insufficient to determine the role of this variant in disease. Therefore, it has been classified as a Variant of Uncertain Significance.

Ambry Genetics
Classification: Uncertain significance for Cardiovascular phenotype; Hereditary cancer-predisposing syndrome. Last evaluated: 2023-06-22. Review status: criteria provided, single submitter. Criteria: Ambry Variant Classification Scheme 2023. Collection method: clinical testing. Allele origin: germline.
Comment: The p.L274F variant (also known as c.820C>T), located in coding exon 8 of the NF1 gene, results from a C to T substitution at nucleotide position 820. The leucine at codon 274 is replaced by phenylalanine, an amino acid with highly similar properties. This amino acid position is highly conserved in available vertebrate species. In addition, this alteration is predicted to be deleterious by in silico analysis. Since supporting evidence is limited at this time, the clinical significance of this alteration remains unclear.

NM_001042492.3(NF1):c.820C>T (p.Leu274Phe)

Gene: NF1 (neurofibromin 1; plus strand). Cytogenetic location: 17q11.2.
Variant type: single nucleotide variant.
Coding change: c.820C>T on transcript NM_001042492.3 (MANE Select); coding-DNA position 820, C replaced by T.
Protein change: p.Leu274Phe; replaces leucine 274 with phenylalanine.
Molecular consequence: missense variant.
Genome position (GRCh38, 1-based): chr17:31,182,597, C>T. VCF-style: chr17-31182597-C-T. GRCh37 (hg19) VCF-style: chr17-29509615-C-T.
Other names: c.820C>T, p.Leu274Phe (NM_000267.4, NM_001128147.3); short protein forms L274F.
Identifiers: ClinVar variation 3237976 (VCV003237976.3), dbSNP rs2544753784.